The following is an entry in ClinVar:

ClinVar aggregate classification (germline): Uncertain significance (1 of 4 stars; one submission).

Allele frequency attached by ClinVar (database versions not stated): TOPMed 0.00002.

Submission:

Labcorp Genetics (formerly Invitae), Labcorp
Classification: Uncertain significance. Last evaluated: 2022-08-23. Review status: criteria provided, single submitter. Criteria: Invitae Variant Classification Sherloc (09022015). Collection method: clinical testing. Allele origin: germline.
Comment: This sequence change replaces serine, which is neutral and polar, with cysteine, which is neutral and slightly polar, at codon 179 of the MLC1 protein (p.Ser179Cys). This variant is not present in population databases (gnomAD no frequency). This variant has not been reported in the literature in individuals affected with MLC1-related conditions. Algorithms developed to predict the effect of missense changes on protein structure and function output the following: SIFT: "Tolerated"; PolyPhen-2: "Possibly Damaging"; Align-GVGD: "Class C0". The cysteine amino acid residue is found in multiple mammalian species, which suggests that this missense change does not adversely affect protein function. In summary, the available evidence is currently insufficient to determine the role of this variant in disease. Therefore, it has been classified as a Variant of Uncertain Significance.

NM_015166.4(MLC1):c.536C>G (p.Ser179Cys)

Gene: MLC1 (modulator of VRAC current 1; minus strand). Cytogenetic location: 22q13.33.
Variant type: single nucleotide variant.
Coding change: c.536C>G on transcript NM_015166.4 (MANE Select); coding-DNA position 536, C replaced by G.
Protein change: p.Ser179Cys; replaces serine 179 with cysteine.
Molecular consequence: missense variant. On other transcripts: non-coding transcript variant (3).
Genome position (GRCh38, 1-based): chr22:50,076,902, G>C on the plus strand (C>G on the coding strand, the complement: MLC1 is on the minus strand). VCF-style: chr22-50076902-G-C. GRCh37 (hg19) VCF-style: chr22-50515331-G-C.
Other names: c.536C>G, p.Ser179Cys (NM_001376472.1, NM_001376473.1, NM_001376474.1 and 6 more transcripts); c.446C>G, p.Ser149Cys (NM_001376480.1); c.434C>G, p.Ser145Cys (NM_001376481.1); c.380C>G, p.Ser127Cys (NM_001376482.1, NM_001376483.1); c.299C>G, p.Ser100Cys (NM_001376484.1); short protein forms S145C, S100C, S127C, S149C, S179C.
Identifiers: ClinVar variation 2185674 (VCV002185674.1), dbSNP rs1157038801, ClinGen allele CA412109552.
Genomic context (GRCh38, chr22:50,076,902, plus strand): 5'-GAGTAAGATTTCAGGACCCGAGCAGGAAATGGCACTTCGTCCAGAATGTTGGCGCTGTCA[G>C]ACATGGAGCCCTACGAAGAAACAGAACTGTCACCCCGGGTGCACGGGCACAGGGACTCAG-3'
Protein context (NP_055981.1, residues 169-189): EDCKKKKGSM[Ser179Cys]DSANILDEVP